The following is an entry in ClinVar:

NM_012254.3(SLC27A5):c.1338G>A (p.Gly446=)

Gene: SLC27A5 (solute carrier family 27 member 5; minus strand). Cytogenetic location: 19q13.43.
Variant type: single nucleotide variant.
Coding change: c.1338G>A on transcript NM_012254.3 (MANE Select); coding-DNA position 1338, G replaced by A.
Protein change: p.Gly446=; no amino-acid change (glycine 446 retained).
Molecular consequence: synonymous variant.
Genome position (GRCh38, 1-based): chr19:58,500,551, C>T on the plus strand (G>A on the coding strand, the complement: SLC27A5 is on the minus strand). VCF-style: chr19-58500551-C-T. GRCh37 (hg19) VCF-style: chr19-59011918-C-T.
Other names: c.1086G>A, p.Gly362= (NM_001321196.2); c.1338G>A (NM_012254.2).
Identifiers: ClinVar variation 286654 (VCV000286654.9), dbSNP rs148459550, ClinGen allele CA9718028.
Genomic context (GRCh38, chr19:58,500,551, plus strand): 5'-ACCAGGTACCCGCACACTCACTCGGAGGAGGCAGCTCATCTTGCCCAGGGCCCCGCAGCG[C>T]CCCACATAGTTGACTAAGCCCATGTTGCCTTCTGTGGAGCCGTAGACTTCCCAGATCCGA-3'
Protein context (NP_036386.1, residues 436-456): EGNMGLVNYV[Gly446=]RCGALGKMSC

ClinVar aggregate classification (germline): Conflicting classifications of pathogenicity. Review status: criteria provided, conflicting classifications (1 of 4 stars). 3 submissions from 3 submitters: Uncertain significance (1); Likely benign (1). 1 of the submissions does not count toward it. Last evaluated 2025-12-24.

Conditions:
SLC27A5-related disorder. Also called: SLC27A5-related condition.

Allele frequency attached by ClinVar (database versions not stated): gnomAD 0.00057 and 0.00058; 1000 Genomes Project 0.00120; 1000 Genomes Project 30x 0.00109; ESP Exome Variant Server 0.00038; TOPMed 0.00062; ExAC 0.00054; gnomAD exomes 0.00111.
gnomAD v4.1: 1,713 of 1,614,122 alleles (0.11%); highest among the groups gnomAD compares: Non-Finnish European, 0.14%; 1 homozygote.

Submissions (3):

Labcorp Genetics (formerly Invitae), Labcorp
Classification: Likely benign. Last evaluated: 2025-12-24. Review status: criteria provided, single submitter. Criteria: Invitae Variant Classification Sherloc (09022015). Collection method: clinical testing. Allele origin: germline.

Eurofins Ntd Llc (ga)
Classification: Uncertain significance. Last evaluated: 2018-02-20. Review status: criteria provided, single submitter. Criteria: EGL ClinVar v180209 classification definitions. Collection method: clinical testing. Allele origin: germline. Observed: 5 variant alleles, 5 heterozygotes.

PreventionGenetics, part of Exact Sciences
Classification: Likely benign for SLC27A5-related condition. Last evaluated: 2020-11-11. Review status: no assertion criteria provided. Collection method: clinical testing. Allele origin: germline. Not counted in ClinVar's aggregate classification.
Comment: This variant is classified as likely benign based on ACMG/AMP sequence variant interpretation guidelines (Richards et al. 2015 PMID: 25741868, with internal and published modifications).